The following is an entry in ClinVar:

NM_002693.3(POLG):c.1929T>C (p.Ala643=)

Gene: POLG (DNA polymerase gamma, catalytic subunit; minus strand). Cytogenetic location: 15q26.1.
Variant type: single nucleotide variant.
Coding change: c.1929T>C on transcript NM_002693.3 (MANE Select); coding-DNA position 1929, T replaced by C.
Protein change: p.Ala643=; no amino-acid change (alanine 643 retained).
Molecular consequence: synonymous variant.
Genome position (GRCh38, 1-based): chr15:89,325,470, A>G on the plus strand (T>C on the coding strand, the complement: POLG is on the minus strand). VCF-style: chr15-89325470-A-G. GRCh37 (hg19) VCF-style: chr15-89868701-A-G.
Other names: c.1929T>C, p.Ala643= (NM_001126131.2).
Identifiers: ClinVar variation 596944 (VCV000596944.39), dbSNP rs745800212, ClinGen allele CA7724661.

ClinVar aggregate classification (germline): Conflicting classifications of pathogenicity. Review status: criteria provided, conflicting classifications (1 of 4 stars). 4 submissions from 4 submitters: Uncertain significance (1); Likely benign (3). Last evaluated 2025-11-16.

Conditions:
Progressive sclerosing poliodystrophy (MTDPS4A). Also called: Mitochondrial DNA Depletion Syndrome 4A; Mitochondrial DNA depletion syndrome 4A (Alpers type); NEURONAL DEGENERATION OF CHILDHOOD WITH LIVER DISEASE, PROGRESSIVE; Alpers-Huttenlocher Syndrome (AHS); ALPERS PROGRESSIVE INFANTILE POLIODYSTROPHY; Alpers Syndrome. Identifiers: Orphanet 726, MedGen C0205710, MONDO:0008758, OMIM 203700.

Allele frequency attached by ClinVar (database versions not stated): gnomAD 0.00002; gnomAD exomes 0.00002 and 0.00001; ExAC 0.00001; TOPMed 0.00002.
gnomAD v4.1: 37 of 1,603,478 alleles (0.0023%); highest among the groups gnomAD compares: Non-Finnish European, 0.003%; no homozygotes.

Submissions (4):

Labcorp Genetics (formerly Invitae), Labcorp
Classification: Likely benign for Progressive sclerosing poliodystrophy. Last evaluated: 2025-11-16. Review status: criteria provided, single submitter. Criteria: Invitae Variant Classification Sherloc (09022015). Collection method: clinical testing. Allele origin: germline.

CeGaT Center for Human Genetics Tuebingen
Classification: Likely benign. Last evaluated: 2022-09-01. Review status: criteria provided, single submitter. Criteria: CeGaT Center For Human Genetics Tuebingen Variant Classification Criteria Version 2. Collection method: clinical testing. Allele origin: germline. Affected: yes. Observed: 1 variant allele.
Comment: POLG: BP4, BP7

Blueprint Genetics
Classification: Likely benign. Last evaluated: 2022-07-22. Review status: criteria provided, single submitter. Criteria: ACMG Guidelines, 2015. Collection method: clinical testing. Allele origin: germline.

Eurofins Ntd Llc (ga)
Classification: Uncertain significance. Last evaluated: 2018-04-20. Review status: criteria provided, single submitter. Criteria: EGL ClinVar v180209 classification definitions. Collection method: clinical testing. Allele origin: germline. Observed: 1 variant allele, 1 heterozygote.